The following is an entry in ClinVar:

NM_001378454.1(ALMS1):c.11363C>G (p.Ala3788Gly)

Gene: ALMS1 (ALMS1 centrosome and basal body associated protein; plus strand). Cytogenetic location: 2p13.1.
Variant type: single nucleotide variant.
Coding change: c.11363C>G on transcript NM_001378454.1 (MANE Select); coding-DNA position 11363, C replaced by G.
Protein change: p.Ala3788Gly; replaces alanine 3788 with glycine.
Molecular consequence: missense variant.
Genome position (GRCh38, 1-based): chr2:73,573,240, C>G. VCF-style: chr2-73573240-C-G. GRCh37 (hg19) VCF-style: chr2-73800367-C-G.
Other names: c.11366C>G, p.Ala3789Gly (NM_015120.4); short protein forms A3789G, A3788G.
Identifiers: ClinVar variation 2016290 (VCV002016290.4), dbSNP rs2466447203, ClinGen allele CA347289298.
Genomic context (GRCh38, chr2:73,573,240, plus strand): 5'-AAACAGATAGAGAGGTGGCTCTGCACGAAAGGAGTAGCTCTGTTTCCACTATTGACACTG[C>G]CCGGCTGATTCAAGCTTTTGGCCATGAAAGAGTATGCTTGTCACCCAGACGAATTAAATT-3'
Protein context (NP_001365383.1, residues 3778-3798): RSSSVSTIDT[Ala3788Gly]RLIQAFGHER

ClinVar aggregate classification (germline): Uncertain significance (1 of 4 stars; one submission).

Conditions:
Alstrom syndrome (ALMS). Identifiers: Orphanet 64, MedGen C0268425, MONDO:0008763, OMIM 203800.

Submission:

Labcorp Genetics (formerly Invitae), Labcorp
Classification: Uncertain significance for Alstrom syndrome. Last evaluated: 2025-02-05. Review status: criteria provided, single submitter. Criteria: Invitae Variant Classification Sherloc (09022015). Collection method: clinical testing. Allele origin: germline.
Comment: This sequence change replaces alanine, which is neutral and non-polar, with glycine, which is neutral and non-polar, at codon 3789 of the ALMS1 protein (p.Ala3789Gly). This variant is not present in population databases (gnomAD no frequency). This variant has not been reported in the literature in individuals affected with ALMS1-related conditions. ClinVar contains an entry for this variant (Variation ID: 2016290). Experimental studies and prediction algorithms are not available or were not evaluated, and the functional significance of this variant is currently unknown. In summary, the available evidence is currently insufficient to determine the role of this variant in disease. Therefore, it has been classified as a Variant of Uncertain Significance.